The following is an entry in ClinVar:

NM_004174.4(SLC9A3):c.1810C>T (p.Arg604Ter)

Genes: SLC9A3-AS1 (SLC9A3 antisense RNA 1; plus strand), SLC9A3 (solute carrier family 9 member A3). Cytogenetic location: 5p15.33.
Variant type: single nucleotide variant.
Coding change: c.1810C>T on transcript NM_004174.4 (MANE Select); coding-DNA position 1810, C replaced by T.
Protein change: p.Arg604Ter; replaces arginine 604 with a stop codon.
Molecular consequence: nonsense.
Genome position (GRCh38, 1-based): chr5:476,623, G>A on the plus strand (C>T on the coding strand, the complement: SLC9A3 is on the minus strand). VCF-style: chr5-476623-G-A. GRCh37 (hg19) VCF-style: chr5-476738-G-A.
Other names: c.1783C>T, p.Arg595Ter (NM_001284351.3); short protein forms R595*, R604*.
Identifiers: ClinVar variation 1366853 (VCV001366853.6), dbSNP rs763055603, ClinGen allele CA359025959.

ClinVar aggregate classification (germline): Pathogenic (1 of 4 stars; one submission).

Allele frequency attached by ClinVar (database versions not stated): TOPMed below 0.00001.
gnomAD v4.1: 1 of 1,609,148 alleles (0.000062%); highest among the groups gnomAD compares: East Asian, 0.0022%; no homozygotes.

Submission:

Labcorp Genetics (formerly Invitae), Labcorp
Classification: Pathogenic. Last evaluated: 2020-10-19. Review status: criteria provided, single submitter. Criteria: Invitae Variant Classification Sherloc (09022015). Collection method: clinical testing. Allele origin: germline.
Comment: For these reasons, this variant has been classified as Pathogenic. This variant has not been reported in the literature in individuals with SLC9A3-related conditions. This variant is not present in population databases (ExAC no frequency). This sequence change creates a premature translational stop signal (p.Arg604*) in the SLC9A3 gene. It is expected to result in an absent or disrupted protein product. Loss-of-function variants in SLC9A3 are known to be pathogenic (PMID: 26358773).

Literature cited by the submitters: PubMed 26358773.